The following is an entry in ClinVar:

ClinVar aggregate classification (germline): Uncertain significance (1 of 4 stars; one submission).

Submission:

Mayo Clinic Laboratories, Mayo Clinic
Classification: Uncertain significance. Last evaluated: 2025-05-05. Review status: criteria provided, single submitter. Criteria: ACMG Guidelines, 2015. Collection method: clinical testing. Allele origin: germline. Observed: 1 variant allele.
Comment: PM2_supporting

NM_005219.5(DIAPH1):c.2083C>T (p.Pro695Ser)

Gene: DIAPH1 (diaphanous related formin 1; minus strand). Cytogenetic location: 5q31.3.
Variant type: single nucleotide variant.
Coding change: c.2083C>T on transcript NM_005219.5 (MANE Select); coding-DNA position 2083, C replaced by T.
Protein change: p.Pro695Ser; replaces proline 695 with serine.
Molecular consequence: missense variant.
Genome position (GRCh38, 1-based): chr5:141,573,767, G>A on the plus strand (C>T on the coding strand, the complement: DIAPH1 is on the minus strand). VCF-style: chr5-141573767-G-A. GRCh37 (hg19) VCF-style: chr5-140953334-G-A.
Other names: p.Pro695Ser; c.2056C>T, p.Pro686Ser (NM_001079812.3); c.2083C>T, p.Pro695Ser (NM_001314007.2); short protein forms P695S, P686S.
Identifiers: ClinVar variation 4541070 (VCV004541070.1).